The following is an entry in ClinVar:

ClinVar aggregate classification (germline): Uncertain significance (1 of 4 stars; one submission).

Conditions:
Hereditary cancer-predisposing syndrome. Also called: Neoplastic Syndromes, Hereditary; Tumor predisposition; Hereditary Cancer Syndrome; Hereditary neoplastic syndrome. Identifiers: Orphanet 140162, MedGen C0027672, MeSH D009386, MONDO:0015356.

Submission:

Ambry Genetics
Classification: Uncertain significance for Hereditary cancer-predisposing syndrome. Last evaluated: 2026-03-16. Review status: criteria provided, single submitter. Criteria: Ambry Variant Classification Scheme 2023. Collection method: clinical testing. Allele origin: germline.
Comment: The p.I1690F variant (also known as c.5068A>T), located in coding exon 15 of the APC gene, results from an A to T substitution at nucleotide position 5068. The isoleucine at codon 1690 is replaced by phenylalanine, an amino acid with highly similar properties. This amino acid position is conserved. In addition, in silico predictors for this gene do not accurately predict pathogenicity. Based on the available evidence, the clinical significance of this variant remains unclear.

NM_000038.6(APC):c.5068A>T (p.Ile1690Phe)

Gene: APC (APC regulator of Wnt signaling pathway; plus strand). Cytogenetic location: 5q22.2.
Variant type: single nucleotide variant.
Coding change: c.5068A>T on transcript NM_000038.6 (MANE Select); coding-DNA position 5068, A replaced by T.
Protein change: p.Ile1690Phe; replaces isoleucine 1690 with phenylalanine.
Molecular consequence: missense variant. On other transcripts: non-coding transcript variant (2).
Genome position (GRCh38, 1-based): chr5:112,840,662, A>T. VCF-style: chr5-112840662-A-T. GRCh37 (hg19) VCF-style: chr5-112176359-A-T.
Other names: c.5068A>T, p.Ile1690Phe (NM_001127510.3, NM_001354895.2, NM_001407450.1); c.5014A>T, p.Ile1672Phe (NM_001127511.3); c.5122A>T, p.Ile1708Phe (NM_001354896.2, NM_001407447.1, NM_001407448.1 and 1 more transcripts); c.5098A>T, p.Ile1700Phe (NM_001354897.2); c.4993A>T, p.Ile1665Phe (NM_001354898.2); c.4984A>T, p.Ile1662Phe (NM_001354899.2); c.4945A>T, p.Ile1649Phe (NM_001354900.2); c.4891A>T, p.Ile1631Phe (NM_001354901.2, NM_001407453.1); and 11 more; short protein forms I1306F, I1407F, I1530F, I1561F, I1564F, I1589F, I1599F, I1607F.
Identifiers: ClinVar variation 4860841 (VCV004860841.1).
Genomic context (GRCh38, chr5:112,840,662, plus strand): 5'-GCTGCTGGAGAAGGAGTTAGAGGAGGGGCACAGTCAGGTGAATTTGAAAAACGAGATACC[A>T]TTCCTACAGAAGGCAGAAGTACAGATGAGGCTCAAGGAGGAAAAACCTCATCTGTAACCA-3'
Protein context (NP_000029.2, residues 1680-1700): QSGEFEKRDT[Ile1690Phe]PTEGRSTDEA